The following is an entry in ClinVar:

NM_002485.5(NBN):c.1750G>C (p.Glu584Gln)

Gene: NBN (nibrin; minus strand). Cytogenetic location: 8q21.3.
Variant type: single nucleotide variant.
Coding change: c.1750G>C on transcript NM_002485.5 (MANE Select); coding-DNA position 1750, G replaced by C.
Protein change: p.Glu584Gln; replaces glutamic acid 584 with glutamine.
Molecular consequence: missense variant.
Genome position (GRCh38, 1-based): chr8:89,953,339, C>G on the plus strand (G>C on the coding strand, the complement: NBN is on the minus strand). VCF-style: chr8-89953339-C-G. GRCh37 (hg19) VCF-style: chr8-90965567-C-G.
Other names: c.1504G>C, p.Glu502Gln (NM_001024688.3); short protein forms E584Q, E502Q.
Identifiers: ClinVar variation 2566740 (VCV002566740.2), dbSNP rs1554558270, ClinGen allele CA371655177.
Genomic context (GRCh38, chr8:89,953,339, plus strand): 5'-TGAAAGTGTCATTTGTTTCTATATCCATCCTTGGCCTTTTTCTAACATTGACATCTTCCT[C>G]CTGTTTTTGAACTTTCACATCAATTTCTAACTCTGGTTTTGTGTCCTTGAATAACTGTTC-3'
Protein context (NP_002476.2, residues 574-594): LEIDVKVQKQ[Glu584Gln]EDVNVRKRPR

ClinVar aggregate classification (germline): Uncertain significance (1 of 4 stars; one submission).

Conditions:
Hereditary cancer-predisposing syndrome. Also called: Hereditary neoplastic syndrome; Hereditary Cancer Syndrome; Neoplastic Syndromes, Hereditary; Tumor predisposition. Identifiers: Orphanet 140162, MedGen C0027672, MeSH D009386, MONDO:0015356.

Submission:

Ambry Genetics
Classification: Uncertain significance for Hereditary cancer-predisposing syndrome. Last evaluated: 2023-05-27. Review status: criteria provided, single submitter. Criteria: Ambry Variant Classification Scheme 2023. Collection method: clinical testing. Allele origin: germline.
Comment: The p.E584Q variant (also known as c.1750G>C), located in coding exon 11 of the NBN gene, results from a G to C substitution at nucleotide position 1750. The glutamic acid at codon 584 is replaced by glutamine, an amino acid with highly similar properties. This amino acid position is conserved. In addition, this alteration is predicted to be tolerated by in silico analysis. Since supporting evidence is limited at this time, the clinical significance of this alteration remains unclear.